The following is an entry in ClinVar:

ClinVar aggregate classification (germline): Likely benign. Review status: criteria provided, multiple submitters, no conflicts (2 of 4 stars). 4 submissions from 4 submitters: Likely benign (3). 1 of the submissions does not count toward it. Last evaluated 2025-12-23.

Conditions:
Mucolipidosis type II. Also called: ML II ALPHA/BETA; Mucolipidosis 2; ML 2; Inclusion cell disease; Leroy Disease; N-acetylglucosamine 1phosphotransferase deficiency. Identifiers: Orphanet 576, MedGen C2673377, MONDO:0009650, OMIM 252500.
Pseudo-Hurler polydystrophy. Also called: ML III; ML III ALPHA/BETA; Mucolipidosis III Alpha/Beta; Type III Mucolipidosis; ML IIIA; MUCOLIPIDOSIS IIIA. Identifiers: Orphanet 423461, Orphanet 577, MedGen C0033788, MONDO:0018931, OMIM 252600.

Allele frequency attached by ClinVar (database versions not stated): ExAC 0.00001; gnomAD exomes 0.00002; gnomAD 0.00003; TOPMed 0.00005.
gnomAD v4.1: 50 of 1,613,468 alleles (0.0031%); highest among the groups gnomAD compares: Middle Eastern, 0.016%; no homozygotes.

Submissions (4):

Labcorp Genetics (formerly Invitae), Labcorp
Classification: Likely benign for Pseudo-Hurler polydystrophy; Mucolipidosis type II. Last evaluated: 2025-12-23. Review status: criteria provided, single submitter. Criteria: Invitae Variant Classification Sherloc (09022015). Collection method: clinical testing. Allele origin: germline.

Blueprint Genetics
Classification: Likely benign. Last evaluated: 2024-11-25. Review status: criteria provided, single submitter. Criteria: ACMG Guidelines, 2015. Collection method: clinical testing. Allele origin: germline.

Mayo Clinic Laboratories, Mayo Clinic
Classification: Likely benign. Last evaluated: 2024-11-18. Review status: criteria provided, single submitter. Criteria: ACMG Guidelines, 2015. Collection method: clinical testing. Allele origin: germline. Observed: 1 variant allele.
Comment: BP4, BP7

Natera, Inc.
Classification: Uncertain significance for Mucolipidosis type II. Last evaluated: 2020-04-17. Review status: no assertion criteria provided. Collection method: clinical testing. Allele origin: germline. Not counted in ClinVar's aggregate classification.

NM_024312.5(GNPTAB):c.3591G>A (p.Glu1197=)

Gene: GNPTAB (N-acetylglucosamine-1-phosphate transferase subunits alpha and beta; minus strand). Cytogenetic location: 12q23.2.
Variant type: single nucleotide variant.
Coding change: c.3591G>A on transcript NM_024312.5 (MANE Select); coding-DNA position 3591, G replaced by A.
Protein change: p.Glu1197=; no amino-acid change (glutamic acid 1197 retained).
Molecular consequence: synonymous variant.
Genome position (GRCh38, 1-based): chr12:101,753,383, C>T on the plus strand (G>A on the coding strand, the complement: GNPTAB is on the minus strand). VCF-style: chr12-101753383-C-T. GRCh37 (hg19) VCF-style: chr12-102147161-C-T.
Other names: p.Glu1197=.
Identifiers: ClinVar variation 726205 (VCV000726205.13), dbSNP rs750709036, ClinGen allele CA6746114.
Genomic context (GRCh38, chr12:101,753,383, plus strand): 5'-ATGTATACACTCACCCACACACATGCATATATAAAACATGAGAATTTACCATTCCTGCAG[C>T]TCATGCATATGAAGGAAACGGTTTCGATACTCTCTTGGCAGTTCAAATTGGGAAGGTATG-3'
Protein context (NP_077288.2, residues 1187-1207): EYRNRFLHMH[Glu1197=]LQEWRAYRDK